The following is an entry in ClinVar:

NM_000212.3(ITGB3):c.259G>C (p.Ala87Pro)

Gene: ITGB3 (integrin subunit beta 3; plus strand). Cytogenetic location: 17q21.32.
Variant type: single nucleotide variant.
Coding change: c.259G>C on transcript NM_000212.3 (MANE Select); coding-DNA position 259, G replaced by C.
Protein change: p.Ala87Pro; replaces alanine 87 with proline.
Molecular consequence: missense variant.
Genome position (GRCh38, 1-based): chr17:47,283,447, G>C. VCF-style: chr17-47283447-G-C. GRCh37 (hg19) VCF-style: chr17-45360813-G-C.
Other names: short protein forms A87P.
Identifiers: ClinVar variation 2579426 (VCV002579426.1), dbSNP rs1457819438, ClinGen allele CA400020698.

ClinVar aggregate classification (germline): Uncertain significance (1 of 4 stars; one submission).

Allele frequency attached by ClinVar (database versions not stated): gnomAD 0.00001; TOPMed 0.00001.
gnomAD v4.1: 4 of 1,614,120 alleles (0.00025%); highest among the groups gnomAD compares: African/African-American, 0.0053%; no homozygotes.

Submission:

GeneDx
Classification: Uncertain significance. Last evaluated: 2023-02-28. Review status: criteria provided, single submitter. Criteria: GeneDx Variant Classification Process June 2021. Collection method: clinical testing. Allele origin: germline. Affected: yes.
Comment: In silico analysis supports that this missense variant does not alter protein structure/function; Has not been previously published as pathogenic or benign to our knowledge